The following is an entry in ClinVar:

NM_005529.7(HSPG2):c.232G>A (p.Asp78Asn)

Gene: HSPG2 (heparan sulfate proteoglycan 2; minus strand). Cytogenetic location: 1p36.12.
Variant type: single nucleotide variant.
Coding change: c.232G>A on transcript NM_005529.7 (MANE Select); coding-DNA position 232, G replaced by A.
Protein change: p.Asp78Asn; replaces aspartic acid 78 with asparagine.
Molecular consequence: missense variant.
Genome position (GRCh38, 1-based): chr1:21,895,934, C>T on the plus strand (G>A on the coding strand, the complement: HSPG2 is on the minus strand). VCF-style: chr1-21895934-C-T. GRCh37 (hg19) VCF-style: chr1-22222427-C-T.
Other names: c.232G>A, p.Asp78Asn (NM_001291860.2); c.232G>A (NM_005529.5); short protein forms D78N.
Identifiers: ClinVar variation 3676034 (VCV003676034.3).

ClinVar aggregate classification (germline): Uncertain significance. Review status: criteria provided, multiple submitters, no conflicts (2 of 4 stars). 2 submissions from 2 submitters: Uncertain significance (2). Last evaluated 2024-12-30.

Conditions:
Inborn genetic diseases. Identifiers: MedGen C0950123, MeSH D030342.

Submissions (2):

Ambry Genetics
Classification: Uncertain significance for Inborn genetic diseases. Last evaluated: 2024-12-30. Review status: criteria provided, single submitter. Criteria: Ambry Variant Classification Scheme 2023. Collection method: clinical testing. Allele origin: germline.

Labcorp Genetics (formerly Invitae), Labcorp
Classification: Uncertain significance. Last evaluated: 2024-07-24. Review status: criteria provided, single submitter. Criteria: Invitae Variant Classification Sherloc (09022015). Collection method: clinical testing. Allele origin: germline.
Comment: This sequence change replaces aspartic acid, which is acidic and polar, with asparagine, which is neutral and polar, at codon 78 of the HSPG2 protein (p.Asp78Asn). This variant is not present in population databases (gnomAD no frequency). This variant has not been reported in the literature in individuals affected with HSPG2-related conditions. An algorithm developed to predict the effect of missense changes on protein structure and function outputs the following: PolyPhen-2: "Benign". The asparagine amino acid residue is found in multiple mammalian species, which suggests that this missense change does not adversely affect protein function. In summary, the available evidence is currently insufficient to determine the role of this variant in disease. Therefore, it has been classified as a Variant of Uncertain Significance.